The following is an entry in ClinVar:

ClinVar aggregate classification (germline): Pathogenic. Review status: criteria provided, multiple submitters, no conflicts (2 of 4 stars). 3 submissions from 3 submitters: Pathogenic (3). Last evaluated 2024-04-26.

Conditions:
Hereditary nonpolyposis colorectal neoplasms. Identifiers: MedGen C0009405, MeSH D003123.
Hereditary cancer-predisposing syndrome. Also called: Hereditary Cancer Syndrome; Hereditary neoplastic syndrome; Neoplastic Syndromes, Hereditary; Tumor predisposition. Identifiers: Orphanet 140162, MedGen C0027672, MeSH D009386, MONDO:0015356.
Lynch syndrome 5 (LYNCH5). Also called: Hereditary non-polyposis colorectal cancer, type 5; Colorectal cancer, hereditary nonpolyposis, type 5. Identifiers: Orphanet 144, MedGen C1833477, MONDO:0013710, OMIM 614350. Disease mechanism: loss of function.

Submissions (3):

Ambry Genetics
Classification: Pathogenic for Hereditary cancer-predisposing syndrome. Last evaluated: 2024-04-26. Review status: criteria provided, single submitter. Criteria: Ambry Variant Classification Scheme 2023. Collection method: clinical testing. Allele origin: germline.
Comment: The c.3577_3580dupGAAT pathogenic mutation, located in coding exon 7 of the MSH6 gene, results from a duplication of GAAT at nucleotide position 3577, causing a translational frameshift with a predicted alternate stop codon (p.L1194*). This variant is considered to be rare based on population cohorts in the Genome Aggregation Database (gnomAD). This alteration is expected to result in loss of function by premature protein truncation or nonsense-mediated mRNA decay. As such, this alteration is interpreted as a disease-causing mutation.

Myriad Genetics, Inc.
Classification: Pathogenic for Lynch syndrome 5. Last evaluated: 2023-07-12. Review status: criteria provided, single submitter. Criteria: Myriad Autosomal Dominant, Autosomal Recessive and X-Linked Classification Criteria (2023). Collection method: clinical testing. Allele origin: unknown.
Comment: This variant is considered pathogenic. This variant creates a termination codon and is predicted to result in premature protein truncation.

Labcorp Genetics (formerly Invitae), Labcorp
Classification: Pathogenic for Hereditary nonpolyposis colorectal neoplasms. Last evaluated: 2020-09-03. Review status: criteria provided, single submitter. Criteria: Invitae Variant Classification Sherloc (09022015). Collection method: clinical testing. Allele origin: germline.
Comment: For these reasons, this variant has been classified as Pathogenic. While this particular variant has not been reported in the literature, loss-of-function variants in MSH6 are known to be pathogenic (PMID: 24362816, 18269114). This sequence change inserts 4 nucleotides in exon 7 of the MSH6 mRNA (c.3577_3580dupGAAT), causing a frameshift at codon 1194. This creates a premature translational stop signal (p.Leu1194*) and is expected to result in an absent or disrupted protein product.

Literature cited by the submitters: PubMed 24362816 (cited by Labcorp Genetics (formerly Invitae), Labcorp); PubMed 18269114 (cited by Labcorp Genetics (formerly Invitae), Labcorp).

NM_000179.3(MSH6):c.3577_3580dup (p.Leu1194Ter)

Gene: MSH6 (mutS homolog 6; plus strand). Cytogenetic location: 2p16.3.
Variant type: Duplication.
Coding change: c.3577_3580dup on transcript NM_000179.3 (MANE Select); coding-DNA positions 3577 to 3580, 4 bases duplicated (GAAT; older notation c.3577_3580dupGAAT).
Protein change: p.Leu1194Ter; replaces leucine 1194 with a stop codon.
Molecular consequence: nonsense.
Genome position (GRCh38, 1-based): chr2:47,805,638-47,805,641, GAAT duplicated; duplicating any 4 consecutive bases within chr2:47,805,637-47,805,641 gives the same sequence; the c. name uses the placement nearest the transcript's 3' end. VCF-style (leftmost placement, unchanged base first): chr2-47805636-T-TTGAA. GRCh37 (hg19) VCF-style: chr2-48032775-T-TTGAA.
Other names: c.3187_3190dup, p.Leu1064Ter (NM_001281492.2); c.2671_2674dup, p.Leu892Ter (NM_001281493.2, NM_001281494.2); c.3577_3580dupGAAT (NM_000179.2); short protein forms L1064*, L1194*, L892*.
Identifiers: ClinVar variation 455271 (VCV000455271.10), dbSNP rs773262801, ClinGen allele CA071421.